The following is an entry in ClinVar:

ClinVar aggregate classification (germline): Likely benign. Review status: criteria provided, multiple submitters, no conflicts (2 of 4 stars). 5 submissions from 5 submitters: Likely benign (4). 1 of the submissions does not count toward it. Last evaluated 2026-01-21.

Conditions:
PDGFRA-related disorder. Also called: PDGFRA-related condition.
Hereditary cancer-predisposing syndrome. Also called: Neoplastic Syndromes, Hereditary; Tumor predisposition; Hereditary Cancer Syndrome; Hereditary neoplastic syndrome. Identifiers: Orphanet 140162, MedGen C0027672, MeSH D009386, MONDO:0015356.
Gastrointestinal stromal tumor. Also called: Gastrointestinal stroma tumor; Gastrointestinal stromal tumor, somatic. Identifiers: Orphanet 44890, MedGen C0238198, MeSH D046152, MONDO:0011719, OMIM 606764, HP:0100723.

Allele frequency attached by ClinVar (database versions not stated): gnomAD exomes 0.00006 and 0.00014; ExAC 0.00021; ESP Exome Variant Server 0.00046; gnomAD 0.00056 and 0.00059; TOPMed 0.00059; 1000 Genomes Project 0.00160; 1000 Genomes Project 30x 0.00172.

Submissions (5):

Labcorp Genetics (formerly Invitae), Labcorp
Classification: Likely benign for Gastrointestinal stromal tumor. Last evaluated: 2026-01-21. Review status: criteria provided, single submitter. Criteria: Invitae Variant Classification Sherloc (09022015). Collection method: clinical testing. Allele origin: germline.

ARUP Laboratories, Molecular Genetics and Genomics, ARUP Laboratories
Classification: Likely benign. Last evaluated: 2025-05-23. Review status: criteria provided, single submitter. Criteria: ARUP Molecular Germline Variant Investigation Process 2024. Collection method: clinical testing. Allele origin: germline.

Blueprint Genetics
Classification: Likely benign. Last evaluated: 2022-02-28. Review status: criteria provided, single submitter. Criteria: ACMG Guidelines, 2015. Collection method: clinical testing. Allele origin: germline.

Ambry Genetics
Classification: Likely benign for Hereditary cancer-predisposing syndrome. Last evaluated: 2018-12-27. Review status: criteria provided, single submitter. Criteria: Ambry Variant Classification Scheme 2023. Collection method: clinical testing. Allele origin: germline.

PreventionGenetics, part of Exact Sciences
Classification: Likely benign for PDGFRA-related condition. Last evaluated: 2021-12-23. Review status: no assertion criteria provided. Collection method: clinical testing. Allele origin: germline. Not counted in ClinVar's aggregate classification.
Comment: This variant is classified as likely benign based on ACMG/AMP sequence variant interpretation guidelines (Richards et al. 2015 PMID: 25741868, with internal and published modifications).

NM_006206.6(PDGFRA):c.802T>A (p.Ser268Thr)

Gene: PDGFRA (platelet derived growth factor receptor alpha; plus strand). Cytogenetic location: 4q12.
Variant type: single nucleotide variant.
Coding change: c.802T>A on transcript NM_006206.6 (MANE Select); coding-DNA position 802, T replaced by A.
Protein change: p.Ser268Thr; replaces serine 268 with threonine.
Molecular consequence: missense variant.
Genome position (GRCh38, 1-based): chr4:54,267,331, T>A. VCF-style: chr4-54267331-T-A. GRCh37 (hg19) VCF-style: chr4-55133498-T-A.
Other names: c.802T>A (NM_006206.5); c.802T>A, p.Ser268Thr (NM_001347827.2, NM_001347829.2); c.877T>A, p.Ser293Thr (NM_001347828.2); c.841T>A, p.Ser281Thr (NM_001347830.2); short protein forms S268T, S281T, S293T.
Identifiers: ClinVar variation 414511 (VCV000414511.20), dbSNP rs140245841, ClinGen allele CA2922395.